The following is an entry in ClinVar:

NM_000051.4(ATM):c.4152T>C (p.His1384=)

Gene: ATM (ATM serine/threonine kinase; plus strand). Cytogenetic location: 11q22.3.
Variant type: single nucleotide variant.
Coding change: c.4152T>C on transcript NM_000051.4 (MANE Select); coding-DNA position 4152, T replaced by C.
Protein change: p.His1384=; no amino-acid change (histidine 1384 retained).
Molecular consequence: synonymous variant.
Genome position (GRCh38, 1-based): chr11:108,289,019, T>C. VCF-style: chr11-108289019-T-C. GRCh37 (hg19) VCF-style: chr11-108159746-T-C.
Other names: c.4152T>C, p.His1384= (NM_001351834.2).
Identifiers: ClinVar variation 478923 (VCV000478923.15), dbSNP rs1555096888, ClinGen allele CA476673696.
Genomic context (GRCh38, chr11:108,289,019, plus strand): 5'-TTCCCTTAACTCTGTTAGGGATTTGGATCCTGCTCCTAATCCACCTCATTTTCCATCGCA[T>C]GTGATTAAAGCAACATTTGCCTATATCAGCAATTGTCATAAAACCAAGTTAAAAAGCATT-3'
Protein context (NP_000042.3, residues 1374-1394): PAPNPPHFPS[His1384=]VIKATFAYIS

ClinVar aggregate classification (germline): Benign/Likely benign. Review status: criteria provided, multiple submitters, no conflicts (2 of 4 stars). 3 submissions from 3 submitters: Benign (1); Likely benign (2). Last evaluated 2025-08-05.

Conditions:
Hereditary cancer-predisposing syndrome. Also called: Tumor predisposition; Neoplastic Syndromes, Hereditary; Hereditary Cancer Syndrome; Hereditary neoplastic syndrome. Identifiers: Orphanet 140162, MedGen C0027672, MeSH D009386, MONDO:0015356.
Familial cancer of breast. Also called: BREAST CANCER, FAMILIAL; Hereditary breast cancer; hereditary breast carcinoma. Identifiers: Orphanet 227535, MedGen C0346153, MONDO:0016419, OMIM 114480. Disease mechanism: loss of function.
Ataxia-telangiectasia syndrome (AT). Also called: Cerebello-oculocutaneous telangiectasia; Immunodeficiency with ataxia telangiectasia; ATAXIA-TELANGIECTASIA, COMPLEMENTATION GROUP A; Ataxia-telangiectasia, complementation group D; AT, COMPLEMENTATION GROUP C; ATAXIA-TELANGIECTASIA, FRESNO VARIANT. Identifiers: Orphanet 100, MedGen C0004135, MONDO:0008840, OMIM 208900.

Submissions (3):

Labcorp Genetics (formerly Invitae), Labcorp
Classification: Likely benign for Ataxia-telangiectasia syndrome. Last evaluated: 2025-08-05. Review status: criteria provided, single submitter. Criteria: Invitae Variant Classification Sherloc (09022015). Collection method: clinical testing. Allele origin: germline.

Myriad Genetics, Inc.
Classification: Benign for Familial cancer of breast. Last evaluated: 2024-05-16. Review status: criteria provided, single submitter. Criteria: Myriad Autosomal Dominant, Autosomal Recessive and X-Linked Classification Criteria (2023). Collection method: clinical testing. Allele origin: unknown.
Comment: This variant is considered benign. This variant is a silent/synonymous amino acid change and it is not expected to impact splicing.

Ambry Genetics
Classification: Likely benign for Hereditary cancer-predisposing syndrome. Last evaluated: 2016-06-10. Review status: criteria provided, single submitter. Criteria: Ambry Variant Classification Scheme 2023. Collection method: clinical testing. Allele origin: germline.